The following is an entry in ClinVar:

NM_001958.5(EEF1A2):c.754G>A (p.Asp252Asn)

Gene: EEF1A2 (eukaryotic translation elongation factor 1 alpha 2; minus strand). Cytogenetic location: 20q13.33.
Variant type: single nucleotide variant.
Coding change: c.754G>A on transcript NM_001958.5 (MANE Select); coding-DNA position 754, G replaced by A.
Protein change: p.Asp252Asn; replaces aspartic acid 252 with asparagine.
Molecular consequence: missense variant.
Genome position (GRCh38, 1-based): chr20:63,493,155, C>T on the plus strand (G>A on the coding strand, the complement: EEF1A2 is on the minus strand). VCF-style: chr20-63493155-C-T. GRCh37 (hg19) VCF-style: chr20-62124508-C-T.
Other names: short protein forms D252N.
Identifiers: ClinVar variation 2631662 (VCV002631662.2), dbSNP rs786205865, ClinGen allele CA409648631.

ClinVar aggregate classification (germline): Pathogenic/Likely pathogenic. Review status: criteria provided, multiple submitters, no conflicts (2 of 4 stars). 2 submissions from 2 submitters: Pathogenic (1); Likely pathogenic (1). Last evaluated 2025-02-12.

Conditions:
EEF1A2-related disorder. Also called: EEF1A2-related disorders; EEF1A2-related condition.

Submissions (2):

GeneDx
Classification: Pathogenic. Last evaluated: 2025-02-12. Review status: criteria provided, single submitter. Criteria: GeneDx Variant Classification Process June 2021. Collection method: clinical testing. Allele origin: germline. Affected: yes.
Comment: Not observed at significant frequency in large population cohorts (gnomAD); In silico analysis supports that this missense variant has a deleterious effect on protein structure/function; Has not been previously published as pathogenic or benign to our knowledge

PreventionGenetics, part of Exact Sciences
Classification: Likely pathogenic for EEF1A2-related condition. Last evaluated: 2023-09-12. Review status: criteria provided, single submitter. Criteria: ACMG Guidelines, 2015. Collection method: clinical testing. Allele origin: germline.
Comment: The EEF1A2 c.754G>A variant is predicted to result in the amino acid substitution p.Asp252Asn. To our knowledge, this variant has not been reported in the literature or in a large population database, indicating this variant is rare. A different substitution of the same amino acid (p.Asp252His) was reported to have occurred de novo in an individual with intellectual disability, motor delay, absent speech, autistic features, seizures, progressive microcephaly, brain malformation, and facial dysmorphology (Nakajima et al. 2015. PubMed ID: 24697219). The p.Asp252His substitution was also reported as a de novo variant in a study of individuals with severe developmental disorders (Individual DDD4K.00592 in Supplementary Table 1, McRae et al. 2017. PubMed ID: 28135719). Taken together, the c.754G>A (p.Asp252Asn) variant is interpreted as likely pathogenic.